The following is an entry in ClinVar:

NM_001042492.3(NF1):c.3464C>A (p.Ala1155Asp)

Gene: NF1 (neurofibromin 1; plus strand). Cytogenetic location: 17q11.2.
Variant type: single nucleotide variant.
Coding change: c.3464C>A on transcript NM_001042492.3 (MANE Select); coding-DNA position 3464, C replaced by A.
Protein change: p.Ala1155Asp; replaces alanine 1155 with aspartic acid.
Molecular consequence: missense variant.
Genome position (GRCh38, 1-based): chr17:31,232,849, C>A. VCF-style: chr17-31232849-C-A. GRCh37 (hg19) VCF-style: chr17-29559867-C-A.
Other names: c.3464C>A, p.Ala1155Asp (NM_000267.4); short protein forms A1155D.
Identifiers: ClinVar variation 1709266 (VCV001709266.6), dbSNP rs1597719654, ClinGen allele CA398989371.
Genomic context (GRCh38, chr17:31,232,849, plus strand): 5'-CTCGGAGGCTGGCATCACTGAGGCACTGTACGGTCCTTGCAATGTCAAACTTACTCAATG[C>A]CAACGTAGACAGTGGTCTCATGCACTCCATAGGTGAGATCAAATGAAAGTTTCATATAGA-3'
Protein context (NP_001035957.1, residues 1145-1165): TVLAMSNLLN[Ala1155Asp]NVDSGLMHSI

ClinVar aggregate classification (germline): Pathogenic/Likely pathogenic. Review status: criteria provided, multiple submitters, no conflicts (2 of 4 stars). 4 submissions from 4 submitters: Pathogenic (1); Likely pathogenic (3). Last evaluated 2023-08-10.

Conditions:
Neurofibromatosis, type 1 (NF1). Also called: VON RECKLINGHAUSEN DISEASE; Neurofibromatosis, type I; Peripheral type neurofibromatosis; NEUROFIBROMATOSIS, TYPE I, SOMATIC. Identifiers: Orphanet 636, MedGen C0027831, MONDO:0018975, OMIM 162200. Disease mechanism: loss of function.
Neurofibromatosis-Noonan syndrome (NFNS). Also called: NEUROFIBROMATOSIS WITH NOONAN PHENOTYPE. Identifiers: Orphanet 638, MedGen C2931482, MONDO:0011035, OMIM 601321. Disease mechanism: loss of function.
Hereditary cancer-predisposing syndrome. Also called: Hereditary neoplastic syndrome; Hereditary Cancer Syndrome; Neoplastic Syndromes, Hereditary; Tumor predisposition. Identifiers: Orphanet 140162, MedGen C0027672, MeSH D009386, MONDO:0015356.
Cardiovascular phenotype. Identifiers: MedGen CN230736.
Neurofibromatosis, familial spinal (FSNF). Identifiers: Orphanet 636, MedGen C1834235, MONDO:0008078, OMIM 162210. Disease mechanism: loss of function.
Café-au-lait macules with pulmonary stenosis (WTSN). Also called: PULMONIC STENOSIS WITH CAFE-AU-LAIT SPOTS. Identifiers: MedGen C0553586, MONDO:0008672, OMIM 193520.
Juvenile myelomonocytic leukemia (JMML). Also called: LEUKEMIA, JUVENILE MYELOMONOCYTIC, SOMATIC. Identifiers: Orphanet 86834, MedGen C0349639, MONDO:0011908, OMIM 607785, HP:0012209.

Allele frequency attached by ClinVar (database versions not stated): gnomAD exomes below 0.00001.
gnomAD v4.1: 1 of 1,613,836 alleles (0.000062%); highest among the groups gnomAD compares: Non-Finnish European, 0.000085%; no homozygotes.

Submissions (4):

Ambry Genetics
Classification: Likely pathogenic for Cardiovascular phenotype; Hereditary cancer-predisposing syndrome. Last evaluated: 2023-08-10. Review status: criteria provided, single submitter. Criteria: Ambry Variant Classification Scheme 2023. Collection method: clinical testing. Allele origin: germline.
Comment: The p.A1155D variant (also known as c.3464C>A), located in coding exon 26 of the NF1 gene, results from a C to A substitution at nucleotide position 3464. The alanine at codon 1155 is replaced by aspartic acid, an amino acid with dissimilar properties. This alteration was identified in 1 of 1985 patients with a clinical diagnosis or symptoms of NF1 and was determined to be the result of a de novo mutation or germline mosaicism (van Minkelen R et al. Clin Genet, 2014 Apr;85:318-27). This alteration has been observed in at least one individual with a personal and/or family history that is consistent with NF1-related disease (Ambry internal data). This amino acid position is highly conserved in available vertebrate species. In addition, this alteration is predicted to be deleterious by in silico analysis. Based on the majority of available evidence to date, this variant is likely to be pathogenic.

MGZ Medical Genetics Center
Classification: Likely pathogenic for Neurofibromatosis, type 1. Last evaluated: 2023-02-07. Review status: criteria provided, single submitter. Criteria: ACMG Guidelines, 2015. Collection method: clinical testing. Allele origin: paternal. Affected: yes. Observed: 2 variant alleles.
Comment: ACMG criteria applied: PP3_MOD, PS4_SUP, PM2_SUP, PM6_SUP, PP2

Department of Human Genetics, Hannover Medical School
Classification: Pathogenic for Neurofibromatosis-Noonan syndrome. Last evaluated: 2022-07-11. Review status: criteria provided, single submitter. Criteria: ACMG Guidelines, 2015. Collection method: clinical testing. Allele origin: de novo. Affected: yes.

Juno Genomics, Hangzhou Juno Genomics, Inc
Classification: Likely pathogenic for Juvenile myelomonocytic leukemia; Neurofibromatosis-Noonan syndrome; Neurofibromatosis, familial spinal; Neurofibromatosis, type 1; Café-au-lait macules with pulmonary stenosis. Review status: criteria provided, single submitter. Criteria: ACMG Guidelines, 2015. Collection method: clinical testing. Allele origin: germline. Affected: yes.
Comment: Absent from controls (or at extremely low frequency if recessive) in Genome Aggregation Database.;De novo (both maternity and paternity confirmed) in a patient with the disease and no family history.;Multiple lines of computational evidence support a deleterious effect on the gene or gene product.;Missense variant in a gene that has a low rate of benign missense variation.